The following is an entry in ClinVar:

ClinVar aggregate classification (germline): Uncertain significance. Review status: criteria provided, multiple submitters, no conflicts (2 of 4 stars). 2 submissions from 2 submitters: Uncertain significance (2). Last evaluated 2022-04-20.

Conditions:
Mitochondrial DNA depletion syndrome 9 (MTDPS9). Also called: SUCLG1-Related Mitochondrial DNA Depletion Syndrome, Encephalomyopathic Form with Methylmalonic Aciduria. Identifiers: Orphanet 17, MedGen C3151476, MONDO:0009504, OMIM 245400.

Allele frequency attached by ClinVar (database versions not stated): gnomAD 0.00001; gnomAD exomes 0.00001 and 0.00005; ExAC 0.00008; 1000 Genomes Project 30x 0.00031; 1000 Genomes Project 0.00040.
gnomAD v4.1: 22 of 1,614,204 alleles (0.0014%); highest among the groups gnomAD compares: South Asian, 0.021%; no homozygotes.

Submissions (2):

Labcorp Genetics (formerly Invitae), Labcorp
Classification: Uncertain significance for Mitochondrial DNA depletion syndrome 9. Last evaluated: 2022-04-20. Review status: criteria provided, single submitter. Criteria: Invitae Variant Classification Sherloc (09022015). Collection method: clinical testing. Allele origin: germline.
Comment: Algorithms developed to predict the effect of missense changes on protein structure and function are either unavailable or do not agree on the potential impact of this missense change (SIFT: "Deleterious"; PolyPhen-2: "Possibly Damaging"; Align-GVGD: "Class C0"). In summary, the available evidence is currently insufficient to determine the role of this variant in disease. Therefore, it has been classified as a Variant of Uncertain Significance. This variant is present in population databases (rs575207227, gnomAD 0.03%). This variant has not been reported in the literature in individuals affected with SUCLG1-related conditions. ClinVar contains an entry for this variant (Variation ID: 235290). This sequence change replaces isoleucine, which is neutral and non-polar, with phenylalanine, which is neutral and non-polar, at codon 133 of the SUCLG1 protein (p.Ile133Phe).

Center for Pediatric Genomic Medicine, Children's Mercy Hospital and Clinics
Classification: Uncertain significance. Last evaluated: 2016-02-18. Review status: criteria provided, single submitter. Criteria: ACMG Guidelines, 2015. Collection method: clinical testing. Allele origin: germline.
ClinVar note: Converted during submission from Uncertain Significance to Uncertain significance.

NM_003849.4(SUCLG1):c.397A>T (p.Ile133Phe)

Gene: SUCLG1 (succinate-CoA ligase GDP/ADP-forming subunit alpha; minus strand). Cytogenetic location: 2p11.2.
Variant type: single nucleotide variant.
Coding change: c.397A>T on transcript NM_003849.4 (MANE Select); coding-DNA position 397, A replaced by T.
Protein change: p.Ile133Phe; replaces isoleucine 133 with phenylalanine.
Molecular consequence: missense variant.
Genome position (GRCh38, 1-based): chr2:84,441,381, T>A on the plus strand (A>T on the coding strand, the complement: SUCLG1 is on the minus strand). VCF-style: chr2-84441381-T-A. GRCh37 (hg19) VCF-style: chr2-84668505-T-A.
Other names: short protein forms I133F.
Identifiers: ClinVar variation 235290 (VCV000235290.7), dbSNP rs575207227, ClinGen allele CA1736313.
Genomic context (GRCh38, chr2:84,441,381, plus strand): 5'-CCATGTCCTGCTGGGGAATTCCTTCAGTGATACACACAACCAAGGGAATTTCTGCCTCAA[T>A]AGCTTCATTAATGGCAGCAGCAGCAAAAGGCGGAGGAACATAAATGACAGAAGCCGTTGC-3'
Protein context (NP_003840.2, residues 123-143): PFAAAAINEA[Ile133Phe]EAEIPLVVCI